The following is an entry in ClinVar:

ClinVar aggregate classification (germline): Pathogenic (1 of 4 stars; one submission).

Conditions:
Hereditary cancer-predisposing syndrome. Also called: Hereditary Cancer Syndrome; Hereditary neoplastic syndrome; Tumor predisposition; Neoplastic Syndromes, Hereditary. Identifiers: Orphanet 140162, MedGen C0027672, MeSH D009386, MONDO:0015356.

Submission:

Ambry Genetics
Classification: Pathogenic for Hereditary cancer-predisposing syndrome. Last evaluated: 2017-04-25. Review status: criteria provided, single submitter. Criteria: Ambry Variant Classification Scheme 2023. Collection method: clinical testing. Allele origin: germline.
Comment: The c.2328delA pathogenic mutation, located in coding exon 4 of the MSH6 gene, results from a deletion of one nucleotide at nucleotide position 2328, causing a translational frameshift with a predicted alternate stop codon (p.Q776Hfs*17). This alteration is expected to result in loss of function by premature protein truncation or nonsense-mediated mRNA decay. As such, this alteration is interpreted as a disease-causing mutation.

NM_000179.3(MSH6):c.2328del (p.Gln776fs)

Gene: MSH6 (mutS homolog 6; plus strand). Cytogenetic location: 2p16.3.
Variant type: Deletion.
Coding change: c.2328del on transcript NM_000179.3 (MANE Select); coding-DNA position 2328, one base deleted (A; older notation c.2328delA).
Protein change: p.Gln776fs; shifts the reading frame from glutamine 776.
Molecular consequence: frameshift variant.
Genome position (GRCh38, 1-based): chr2:47,800,311, A deleted; the last of 2 consecutive A bases (chr2:47,800,310-47,800,311); deleting either gives the same sequence. VCF-style (leftmost placement, unchanged base first): chr2-47800309-CA-C. GRCh37 (hg19) VCF-style: chr2-48027448-CA-C.
Other names: c.1938del, p.Gln646fs (NM_001281492.2); c.1422del, p.Gln474fs (NM_001281493.2, NM_001281494.2); c.2424delA, p.Gln808Hisfs (NM_001406795.1, NM_001406802.1); c.2328delA, p.Gln776Hisfs (NM_001406796.1, NM_001406798.1, NM_001406800.1 and 2 more transcripts); c.2031delA, p.Gln677Hisfs (NM_001406797.1, NM_001406801.1, NM_001406805.1 and 10 more transcripts); c.1803delA, p.Gln601Hisfs (NM_001406799.1, NM_001406806.1, NM_001406807.1); c.2250delA, p.Gln750Hisfs (NM_001406804.1); c.1422delA, p.Gln474Hisfs (NM_001406811.1, NM_001406812.1, NM_001406814.1 and 4 more transcripts); and 2 more; short protein forms Q776fs, Q474fs, Q646fs.
Identifiers: ClinVar variation 1789673 (VCV001789673.2), dbSNP rs2530665134, ClinGen allele CA2580067831.